The following is an entry in ClinVar:

NM_201384.3(PLEC):c.4366G>C (p.Val1456Leu)

Gene: PLEC (plectin; minus strand). Cytogenetic location: 8q24.3.
Variant type: single nucleotide variant.
Coding change: c.4366G>C on transcript NM_201384.3 (MANE Select); coding-DNA position 4366, G replaced by C.
Protein change: p.Val1456Leu; replaces valine 1456 with leucine.
Molecular consequence: missense variant. On other transcripts: intron variant (1).
Genome position (GRCh38, 1-based): chr8:143,925,563, C>G on the plus strand (G>C on the coding strand, the complement: PLEC is on the minus strand). VCF-style: chr8-143925563-C-G. GRCh37 (hg19) VCF-style: chr8-144999731-C-G.
Other names: c.4447G>C, p.Val1483Leu (NM_000445.5); c.4324G>C, p.Val1442Leu (NM_201378.4); c.4300G>C, p.Val1434Leu (NM_201379.3); c.4777G>C, p.Val1593Leu (NM_201380.4); c.4270G>C, p.Val1424Leu (NM_201381.3); c.4366G>C, p.Val1456Leu (NM_201382.4); c.4378G>C, p.Val1460Leu (NM_201383.3); c.4125+1221G>C (NM_001410941.1); short protein forms V1434L, V1456L, V1593L, V1424L, V1460L, V1442L, V1483L.
Identifiers: ClinVar variation 2938498 (VCV002938498.3), dbSNP rs186848953, ClinGen allele CA372557580.

ClinVar aggregate classification (germline): Uncertain significance (1 of 4 stars; one submission).

Conditions:
Epidermolysis bullosa simplex with nail dystrophy (EBS5D). Identifiers: MedGen C4225309, MONDO:0014661, OMIM 616487.
Epidermolysis bullosa simplex 5C, with pyloric atresia (EBS5C). Also called: PLEC-Related Epidermolysis Bullosa with Pyloric Atresia; Epidermolysis bullosa simplex with pyloric atresia; PLEC1-Related Epidermolysis Bullosa with Pyloric Atresia. Identifiers: Orphanet 158684, MedGen C2677349, MONDO:0012807, OMIM 612138.
Autosomal recessive limb-girdle muscular dystrophy type 2Q (LGMDR17). Also called: MUSCULAR DYSTROPHY, LIMB-GIRDLE, AUTOSOMAL RECESSIVE 17. Identifiers: Orphanet 254361, MedGen C3150989, MONDO:0013390, OMIM 613723.
Epidermolysis bullosa simplex, Ogna type (EBS5A). Also called: Pidermolysis bullosa simplex 5A, Ogna type; EPIDERMOLYSIS BULLOSA SIMPLEX 5A, OGNA TYPE. Identifiers: Orphanet 79401, MedGen C0432317, MONDO:0007555, OMIM 131950.
Epidermolysis bullosa simplex 5B, with muscular dystrophy (EBS5B). Also called: EPIDERMOLYSIS BULLOSA SIMPLEX AND LIMB-GIRDLE MUSCULAR DYSTROPHY; Epidermolysis bullosa simplex with muscular dystrophy. Identifiers: Orphanet 257, MedGen C2931072, MONDO:0009181, OMIM 226670.

gnomAD v4.1: 3 of 1,588,114 alleles (0.00019%); highest among the groups gnomAD compares: Admixed American, 0.0051%; no homozygotes.

Submission:

Labcorp Genetics (formerly Invitae), Labcorp
Classification: Uncertain significance for Autosomal recessive limb-girdle muscular dystrophy type 2Q; Epidermolysis bullosa simplex, Ogna type; Epidermolysis bullosa simplex with nail dystrophy; Epidermolysis bullosa simplex 5C, with pyloric atresia; Epidermolysis bullosa simplex 5B, with muscular dystrophy. Last evaluated: 2023-04-25. Review status: criteria provided, single submitter. Criteria: Invitae Variant Classification Sherloc (09022015). Collection method: clinical testing. Allele origin: germline.
Comment: This variant is present in population databases (no rsID available, gnomAD 0.003%). In summary, the available evidence is currently insufficient to determine the role of this variant in disease. Therefore, it has been classified as a Variant of Uncertain Significance. Algorithms developed to predict the effect of missense changes on protein structure and function output the following: SIFT: "Not Available"; PolyPhen-2: "Not Available"; Align-GVGD: "Not Available". The leucine amino acid residue is found in multiple mammalian species, which suggests that this missense change does not adversely affect protein function. This variant has not been reported in the literature in individuals affected with PLEC-related conditions. This sequence change replaces valine, which is neutral and non-polar, with leucine, which is neutral and non-polar, at codon 1483 of the PLEC protein (p.Val1483Leu).